The following is an entry in ClinVar:

NM_000443.4(ABCB4):c.905G>A (p.Gly302Asp)

Gene: ABCB4 (ATP binding cassette subfamily B member 4; minus strand). Cytogenetic location: 7q21.12.
Variant type: single nucleotide variant.
Coding change: c.905G>A on transcript NM_000443.4 (MANE Select); coding-DNA position 905, G replaced by A.
Protein change: p.Gly302Asp; replaces glycine 302 with aspartic acid.
Molecular consequence: missense variant.
Genome position (GRCh38, 1-based): chr7:87,447,134, C>T on the plus strand (G>A on the coding strand, the complement: ABCB4 is on the minus strand). VCF-style: chr7-87447134-C-T. GRCh37 (hg19) VCF-style: chr7-87076450-C-T.
Other names: c.905G>A, p.Gly302Asp (NM_018849.3, NM_018850.3); c.905G>A (NM_000443.3); short protein forms G302D.
Identifiers: ClinVar variation 812750 (VCV000812750.4), dbSNP rs1584754706, ClinGen allele CA368048767.

ClinVar aggregate classification (germline): Uncertain significance. Review status: criteria provided, multiple submitters, no conflicts (2 of 4 stars). 3 submissions from 3 submitters: Uncertain significance (2). 1 of the submissions does not count toward it. Last evaluated 2026-04-14.

Conditions:
ABCB4-related disorder. Also called: ABCB4-related disorders; ABCB4-related condition.
Familial intrahepatic cholestasis. Identifiers: Orphanet 284385, MedGen CN296401, MONDO:0017290.
Cholestasis, intrahepatic, of pregnancy, 3. Identifiers: Orphanet 69665, MedGen C3554241, MONDO:0013995, OMIM 614972.

Submissions (3):

Genomenon, Inc
Classification: Uncertain significance for Familial intrahepatic cholestasis. Last evaluated: 2026-04-14. Review status: criteria provided, single submitter. Criteria: Genomenon Sequence Variant Interpretation Standards - Updated. Collection method: curation. Allele origin: germline. Affected: yes.
Comment: ABCB4 p.Gly302Asp (c.905G>A) is a missense variant that changes the amino acid at residue 302 from Glycine to Aspartic acid. This variant has been observed in at least one proband with an ABCB4-related disorder (PMID:36012923;32581362). It is absent or not present at a significant frequency in gnomAD. In silico models predict that this variant is possibly or probably damaging. In conclusion, we classify ABCB4 p.Gly302Asp (c.905G>A) as a variant of uncertain significance.

PreventionGenetics, part of Exact Sciences
Classification: Uncertain significance for ABCB4-related condition. Last evaluated: 2025-02-11. Review status: criteria provided, single submitter. Criteria: ACMG Guidelines, 2015. Collection method: clinical testing. Allele origin: germline.
Comment: The ABCB4 c.905G>A variant is predicted to result in the amino acid substitution p.Gly302Asp. This variant was reported in an individual with intrahepatic cholestasis of pregnancy (Table S2, Turro et al. 2020. PubMed ID: 32581362). This variant has not been reported in a large population database (gnomAD), indicating this variant is rare. At this time, the clinical significance of this variant is uncertain due to the absence of conclusive functional and genetic evidence.

NIHR Bioresource Rare Diseases, University of Cambridge
Classification: Likely pathogenic for Cholestasis, intrahepatic, of pregnancy, 3. Review status: no assertion criteria provided. Collection method: research. Allele origin: unknown. Affected: yes. Observed: 1 variant allele. Not counted in ClinVar's aggregate classification.

Literature cited by the submitters: PubMed 36012923 (cited by Genomenon, Inc); PubMed 32581362 (cited by Genomenon, Inc and NIHR Bioresource Rare Diseases, University of Cambridge).